The following is an entry in ClinVar:

ClinVar aggregate classification (germline): Uncertain significance (1 of 4 stars; one submission).

Conditions:
Duchenne muscular dystrophy (DMD). Also called: Duchenne Muscular Dystrophy (DMD); MUSCULAR DYSTROPHY, PSEUDOHYPERTROPHIC PROGRESSIVE, DUCHENNE TYPE. Identifiers: Orphanet 98896, MedGen C0013264, MONDO:0010679, OMIM 310200.

Submission:

Labcorp Genetics (formerly Invitae), Labcorp
Classification: Uncertain significance for Duchenne muscular dystrophy. Last evaluated: 2025-12-16. Review status: criteria provided, single submitter. Criteria: Invitae Variant Classification Sherloc (09022015). Collection method: clinical testing. Allele origin: germline.
Comment: This sequence change replaces cysteine, which is neutral and slightly polar, with glycine, which is neutral and non-polar, at codon 3229 of the DMD protein (p.Cys3229Gly). This variant is not present in population databases (gnomAD no frequency). This variant has not been reported in the literature in individuals affected with DMD-related conditions. Invitae Evidence Modeling of protein sequence and biophysical properties (such as structural, functional, and spatial information, amino acid conservation, physicochemical variation, residue mobility, and thermodynamic stability) indicates that this missense variant is not expected to disrupt DMD protein function with a negative predictive value of 95%. In summary, the available evidence is currently insufficient to determine the role of this variant in disease. Therefore, it has been classified as a Variant of Uncertain Significance.

NM_004006.3(DMD):c.9685T>G (p.Cys3229Gly)

Gene: DMD (dystrophin; minus strand). Cytogenetic location: Xp21.2.
Variant type: single nucleotide variant.
Coding change: c.9685T>G on transcript NM_004006.3 (MANE Select); coding-DNA position 9685, T replaced by G.
Protein change: p.Cys3229Gly; replaces cysteine 3229 with glycine.
Molecular consequence: missense variant.
Genome position (GRCh38, 1-based): chrX:31,204,083, A>C on the plus strand (T>G on the coding strand, the complement: DMD is on the minus strand). VCF-style: chrX-31204083-A-C. GRCh37 (hg19) VCF-style: chrX-31222200-A-C.
Other names: c.9661T>G, p.Cys3221Gly (NM_000109.4); c.9673T>G, p.Cys3225Gly (NM_004009.3); c.9316T>G, p.Cys3106Gly (NM_004010.3); c.5662T>G, p.Cys1888Gly (NM_004011.4); c.5653T>G, p.Cys1885Gly (NM_004012.4); c.2305T>G, p.Cys769Gly (NM_004013.3, NM_004020.4, NM_004021.3 and 2 more transcripts); c.1498T>G, p.Cys500Gly (NM_004014.3); c.481T>G, p.Cys161Gly (NM_004015.3, NM_004016.3, NM_004017.3 and 2 more transcripts); short protein forms C161G, C1885G, C1888G, C3106G, C3221G, C3225G, C3229G, C500G.
Identifiers: ClinVar variation 4800940 (VCV004800940.1).